The following is an entry in ClinVar:

NM_138576.4(BCL11B):c.1205C>T (p.Pro402Leu)

Gene: BCL11B (BCL11 transcription factor B; minus strand). Cytogenetic location: 14q32.2.
Variant type: single nucleotide variant.
Coding change: c.1205C>T on transcript NM_138576.4 (MANE Select); coding-DNA position 1205, C replaced by T.
Protein change: p.Pro402Leu; replaces proline 402 with leucine.
Molecular consequence: missense variant.
Genome position (GRCh38, 1-based): chr14:99,175,631, G>A on the plus strand (C>T on the coding strand, the complement: BCL11B is on the minus strand). VCF-style: chr14-99175631-G-A. GRCh37 (hg19) VCF-style: chr14-99641968-G-A.
Other names: c.1202C>T, p.Pro401Leu (NM_001282237.2); c.989C>T, p.Pro330Leu (NM_001282238.2); c.992C>T, p.Pro331Leu (NM_022898.3); short protein forms P331L, P330L, P401L, P402L.
Identifiers: ClinVar variation 2871730 (VCV002871730.3), dbSNP rs1344790179, ClinGen allele CA390935889.

ClinVar aggregate classification (germline): Uncertain significance (1 of 4 stars; one submission).

gnomAD v4.1: 1 of 1,560,904 alleles (0.000064%); highest among the groups gnomAD compares: South Asian, 0.0012%; no homozygotes.

Submission:

Labcorp Genetics (formerly Invitae), Labcorp
Classification: Uncertain significance. Last evaluated: 2023-01-07. Review status: criteria provided, single submitter. Criteria: Invitae Variant Classification Sherloc (09022015). Collection method: clinical testing. Allele origin: germline.
Comment: This variant has not been reported in the literature in individuals affected with BCL11B-related conditions. Advanced modeling of protein sequence and biophysical properties (such as structural, functional, and spatial information, amino acid conservation, physicochemical variation, residue mobility, and thermodynamic stability) performed at Invitae indicates that this missense variant is not expected to disrupt BCL11B protein function. In summary, the available evidence is currently insufficient to determine the role of this variant in disease. Therefore, it has been classified as a Variant of Uncertain Significance. This variant is not present in population databases (gnomAD no frequency). This sequence change replaces proline, which is neutral and non-polar, with leucine, which is neutral and non-polar, at codon 402 of the BCL11B protein (p.Pro402Leu).